The following is an entry in ClinVar:

ClinVar aggregate classification (germline): Uncertain significance. Review status: criteria provided, multiple submitters, no conflicts (2 of 4 stars). 2 submissions from 2 submitters: Uncertain significance (2). Last evaluated 2025-07-21.

Conditions:
Inborn genetic diseases. Identifiers: MedGen C0950123, MeSH D030342.

Submissions (2):

Labcorp Genetics (formerly Invitae), Labcorp
Classification: Uncertain significance. Last evaluated: 2025-07-21. Review status: criteria provided, single submitter. Criteria: Invitae Variant Classification Sherloc (09022015). Collection method: clinical testing. Allele origin: germline.
Comment: This sequence change replaces asparagine, which is neutral and polar, with aspartic acid, which is acidic and polar, at codon 1410 of the ATR protein (p.Asn1410Asp). This variant is not present in population databases (gnomAD no frequency). This variant has not been reported in the literature in individuals affected with ATR-related conditions. ClinVar contains an entry for this variant (Variation ID: 1738870). An algorithm developed to predict the effect of missense changes on protein structure and function (PolyPhen-2) suggests that this variant is likely to be tolerated. In summary, the available evidence is currently insufficient to determine the role of this variant in disease. Therefore, it has been classified as a Variant of Uncertain Significance.

Ambry Genetics
Classification: Uncertain significance for Inborn genetic diseases. Last evaluated: 2022-07-05. Review status: criteria provided, single submitter. Criteria: Ambry Variant Classification Scheme 2023. Collection method: clinical testing. Allele origin: germline.
Comment: The p.N1410D variant (also known as c.4228A>G), located in coding exon 23 of the ATR gene, results from an A to G substitution at nucleotide position 4228. The asparagine at codon 1410 is replaced by aspartic acid, an amino acid with highly similar properties. This amino acid position is conserved. In addition, this alteration is predicted to be tolerated by in silico analysis. Since supporting evidence is limited at this time, the clinical significance of this alteration remains unclear.

NM_001184.4(ATR):c.4228A>G (p.Asn1410Asp)

Gene: ATR (ATR checkpoint kinase; minus strand). Cytogenetic location: 3q23.
Variant type: single nucleotide variant.
Coding change: c.4228A>G on transcript NM_001184.4 (MANE Select); coding-DNA position 4228, A replaced by G.
Protein change: p.Asn1410Asp; replaces asparagine 1410 with aspartic acid.
Molecular consequence: missense variant.
Genome position (GRCh38, 1-based): chr3:142,522,766, T>C on the plus strand (A>G on the coding strand, the complement: ATR is on the minus strand). VCF-style: chr3-142522766-T-C. GRCh37 (hg19) VCF-style: chr3-142241608-T-C.
Other names: c.4036A>G, p.Asn1346Asp (NM_001354579.2); short protein forms N1346D, N1410D.
Identifiers: ClinVar variation 1738870 (VCV001738870.3), dbSNP rs2108395734, ClinGen allele CA354801160.
Genomic context (GRCh38, chr3:142,522,766, plus strand): 5'-TAATGACTATATCCACTCTTACCTGAATGGCATAGGCAGCTGAATCTTGAGCTCGGCTAT[T>C]ATCAGCATACGCAAGGTAAGCTCTTGTTAGCTCCATCAATAATCCATAGGCAAAGCTTGA-3'
Protein context (NP_001175.2, residues 1400-1420): LTRAYLAYAD[Asn1410Asp]SRAQDSAAYA